The following is an entry in ClinVar:

NM_000132.4(F8):c.6346T>C (p.Tyr2116His)

Gene: F8 (coagulation factor VIII; minus strand). Cytogenetic location: Xq28.
Variant type: single nucleotide variant.
Coding change: c.6346T>C on transcript NM_000132.4 (MANE Select); coding-DNA position 6346, T replaced by C.
Protein change: p.Tyr2116His; replaces tyrosine 2116 with histidine.
Molecular consequence: missense variant.
Genome position (GRCh38, 1-based): chrX:154,896,160, A>G on the plus strand (T>C on the coding strand, the complement: F8 is on the minus strand). VCF-style: chrX-154896160-A-G. GRCh37 (hg19) VCF-style: chrX-154124435-A-G.
Other names: short protein forms Y2116H.
Identifiers: ClinVar variation 811198 (VCV000811198.8), dbSNP rs781870586, ClinGen allele CA337315893.
Genomic context (GRCh38, chrX:154,896,160, plus strand): 5'-CTCGATAAGTCTGCCACTTCTTCCCATCAAGACTATACATGATGATAAACTGAGAGATGT[A>G]GAGGCTGGAGAACTTCTGACGGGCACCCTGGGTCTTGATGCCGTGAATAATCATTGGTGC-3'
Protein context (NP_000123.1, residues 2106-2126): QGARQKFSSL[Tyr2116His]ISQFIIMYSL

ClinVar aggregate classification (germline): Uncertain significance (1 of 4 stars; one submission).

Conditions:
Hereditary factor VIII deficiency disease (HEMA). Also called: AUTOSOMAL HEMOPHILIA A; Hemophilia A; HEMOPHILIA, CLASSIC; Hemophilia A, congenital; HEM A; Factor 8 deficiency, congenital. Identifiers: Orphanet 98878, MedGen C0019069, MONDO:0010602, OMIM 306700.

Submission:

ARUP Laboratories, Molecular Genetics and Genomics, ARUP Laboratories
Classification: Uncertain significance for Hereditary factor VIII deficiency disease. Last evaluated: 2018-11-08. Review status: criteria provided, single submitter. Criteria: ARUP Molecular Germline Variant Investigation Process. Collection method: clinical testing. Allele origin: germline.
Comment: The F8 c.6346T>C; p.Tyr2116His variant (rs781870586), to our knowledge, is not described in the medical literature or in gene-specific databases. It is also absent from general population databases (1000 Genomes Project, Exome Variant Server, and Genome Aggregation Database), indicating it is not a common polymorphism. The tyrosine at codon 2116 is highly conserved, and computational algorithms (PolyPhen-2, SIFT) predict that this variant is deleterious. This variant is located in the C1 domain, and functional analyses of variants in this region have demonstrated reduced binding to von Willebrand factor (Jacquemin 2000), demonstrating the importance of this region in normal protein function. Additionally, several surrounding variants (p.Arg2109Cys, p.Leu2115Pro, p.Ile2117Phe, p.Ile2117Ser, p.Ser2118Pro, p.Gln2119Arg, p.Phe2120Cys, p.Phe2120Leu) have been described in individuals with mild to moderate hemophilia A and are considered pathogenic (see link to F8 database and references therein). However, due to the lack of clinical and functional data regarding the p.Tyr2116His variant, its clinical significance cannot be determined with certainty. REFERENCES Link to F8 database: Jacquemin M et al. A novel cause of mild/moderate hemophilia A: mutations scattered in the factor VIII C1 domain reduce factor VIII binding to von Willebrand factor. Blood. 2000 Aug 1;96(3):958-65.